The following is an entry in ClinVar:

NM_015338.6(ASXL1):c.4099G>T (p.Val1367Phe)

Gene: ASXL1 (ASXL transcriptional regulator 1; plus strand). Cytogenetic location: 20q11.21.
Variant type: single nucleotide variant.
Coding change: c.4099G>T on transcript NM_015338.6 (MANE Select); coding-DNA position 4099, G replaced by T.
Protein change: p.Val1367Phe; replaces valine 1367 with phenylalanine.
Molecular consequence: missense variant.
Genome position (GRCh38, 1-based): chr20:32,436,811, G>T. VCF-style: chr20-32436811-G-T. GRCh37 (hg19) VCF-style: chr20-31024614-G-T.
Other names: c.3916G>T, p.Val1306Phe (NM_001363734.1); short protein forms V1306F, V1367F.
Identifiers: ClinVar variation 5029716 (VCV005029716.1).
Genomic context (GRCh38, chr20:32,436,811, plus strand): 5'-GGTGGGGTACAGACTCCAAGGGAAGACTGGGCTCCAAAGCCACATGCCTTTGTTGGCAGC[G>T]TCAAGAATGAGAAGACTTTTGTGGGGGGTCCTCTTAAGGCAAATGCCGAGAACAGGAAAG-3'
Protein context (NP_056153.2, residues 1357-1377): APKPHAFVGS[Val1367Phe]KNEKTFVGGP

ClinVar aggregate classification (germline): Uncertain significance (1 of 4 stars; one submission).

Conditions:
Inborn genetic diseases. Identifiers: MedGen C0950123, MeSH D030342.

Submission:

Ambry Genetics
Classification: Uncertain significance for Inborn genetic diseases. Last evaluated: 2026-06-20. Review status: criteria provided, single submitter. Criteria: Ambry Variant Classification Scheme 2023. Collection method: clinical testing. Allele origin: germline.
Comment: The p.V1367F variant (also known as c.4099G>T), located in coding exon 13 of the ASXL1 gene, results from a G to T substitution at nucleotide position 4099. The valine at codon 1367 is replaced by phenylalanine, an amino acid with highly similar properties. This amino acid position is conserved. In addition, this alteration is predicted to be tolerated by in silico analysis. Based on the available evidence, the clinical significance of this variant remains unclear.